The following is an entry in ClinVar:

ClinVar aggregate classification (germline): Uncertain significance. Review status: criteria provided, multiple submitters, no conflicts (2 of 4 stars). 2 submissions from 2 submitters: Uncertain significance (2). Last evaluated 2023-12-05.

Conditions:
Cardiomyopathy (CMYO). Also called: Cardiomyopathies. Identifiers: Orphanet 167848, MedGen C0878544, MONDO:0004994, HP:0001638. Inheritance: Various modes of inheritance.
Cardiovascular phenotype. Identifiers: MedGen CN230736.

Allele frequency attached by ClinVar (database versions not stated): TOPMed 0.00001.

Submissions (2):

Color Diagnostics, LLC DBA Color Health
Classification: Uncertain significance for Cardiomyopathy. Last evaluated: 2023-12-05. Review status: criteria provided, single submitter. Criteria: ACMG Guidelines, 2015. Collection method: clinical testing. Allele origin: germline.
Comment: This missense variant replaces threonine with isoleucine at codon 3027 of the RYR2 protein. Computational prediction tools and conservation analyses are inconclusive regarding the impact of this variant on the protein function. Computational splicing tools suggest that this variant may not impact RNA splicing. To our knowledge, functional assays have not been performed for this variant nor has this variant been reported in individuals affected with cardiovascular disorders in the literature. This variant has not been identified in the general population by the Genome Aggregation Database (gnomAD). Available evidence is insufficient to determine the role of this variant in disease conclusively. Therefore, this variant is classified as a Variant of Uncertain Significance.

Ambry Genetics
Classification: Uncertain significance for Cardiovascular phenotype. Last evaluated: 2022-06-09. Review status: criteria provided, single submitter. Criteria: Ambry Variant Classification Scheme 2023. Collection method: clinical testing. Allele origin: germline.
Comment: The p.T3027I variant (also known as c.9080C>T), located in coding exon 64 of the RYR2 gene, results from a C to T substitution at nucleotide position 9080. The threonine at codon 3027 is replaced by isoleucine, an amino acid with similar properties. This amino acid position is well conserved in available vertebrate species. In addition, the in silico prediction for this alteration is inconclusive. Since supporting evidence is limited at this time, the clinical significance of this alteration remains unclear.

NM_001035.3(RYR2):c.9080C>T (p.Thr3027Ile)

Gene: RYR2 (ryanodine receptor 2; plus strand). Cytogenetic location: 1q43.
Variant type: single nucleotide variant.
Coding change: c.9080C>T on transcript NM_001035.3 (MANE Select); coding-DNA position 9080, C replaced by T.
Protein change: p.Thr3027Ile; replaces threonine 3027 with isoleucine.
Molecular consequence: missense variant.
Genome position (GRCh38, 1-based): chr1:237,698,977, C>T. VCF-style: chr1-237698977-C-T. GRCh37 (hg19) VCF-style: chr1-237862277-C-T.
Other names: c.9080C>T (NM_001035.2); short protein forms T3027I.
Identifiers: ClinVar variation 925983 (VCV000925983.7), dbSNP rs1400166034, ClinGen allele CA345406500.